The following is an entry in ClinVar:

ClinVar aggregate classification (germline): Uncertain significance (1 of 4 stars; one submission).

Submission:

GeneDx
Classification: Uncertain significance. Last evaluated: 2024-08-20. Review status: criteria provided, single submitter. Criteria: GeneDx Variant Classification Process June 2021. Collection method: clinical testing. Allele origin: germline. Affected: yes.
Comment: Not observed at significant frequency in large population cohorts (gnomAD); Frameshift variant predicted to result in abnormal protein length as the last 1168 amino acids are replaced with 41 different amino acids; Has not been previously published as pathogenic or benign to our knowledge

NM_005883.3(APC2):c.3402_3418del (p.Gly1136fs)

Gene: APC2 (APC regulator of WNT signaling pathway 2; plus strand). Cytogenetic location: 19p13.3.
Variant type: Deletion.
Coding change: c.3402_3418del on transcript NM_005883.3 (MANE Select); coding-DNA positions 3402 to 3418, 17 bases deleted (CCGGGGCCTGGGGGTGG).
Protein change: p.Gly1136fs; shifts the reading frame from glycine 1136.
Molecular consequence: frameshift variant.
Genome position (GRCh38, 1-based): chr19:1,466,703-1,466,719, CCGGGGCCTGGGGGTGG deleted; deleting any 17 consecutive bases within chr19:1,466,701-1,466,719 gives the same sequence; the c. name uses the placement nearest the transcript's 3' end. VCF-style (leftmost placement, unchanged base first): chr19-1466700-AGGCCGGGGCCTGGGGGT-A. GRCh37 (hg19) VCF-style: chr19-1466699-AGGCCGGGGCCTGGGGGT-A.
Other names: c.3399_3415del, p.Gly1135fs (NM_001351273.1); short protein forms G1135fs, G1136fs.
Identifiers: ClinVar variation 3764479 (VCV003764479.1).